The following is an entry in ClinVar:

NM_004370.6(COL12A1):c.7869C>A (p.Asn2623Lys)

Gene: COL12A1 (collagen type XII alpha 1 chain; minus strand). Cytogenetic location: 6q13.
Variant type: single nucleotide variant.
Coding change: c.7869C>A on transcript NM_004370.6 (MANE Select); coding-DNA position 7869, C replaced by A.
Protein change: p.Asn2623Lys; replaces asparagine 2623 with lysine.
Molecular consequence: missense variant.
Genome position (GRCh38, 1-based): chr6:75,113,285, G>T on the plus strand (C>A on the coding strand, the complement: COL12A1 is on the minus strand). VCF-style: chr6-75113285-G-T. GRCh37 (hg19) VCF-style: chr6-75823001-G-T.
Other names: p.Asn2623Lys; c.4377C>A, p.Asn1459Lys (NM_080645.3); short protein forms N2623K, N1459K.
Identifiers: ClinVar variation 423385 (VCV000423385.21), dbSNP rs201337277, ClinGen allele CA3892436.

ClinVar aggregate classification (germline): Uncertain significance. Review status: criteria provided, multiple submitters, no conflicts (2 of 4 stars). 7 submissions from 7 submitters: Uncertain significance (7). Last evaluated 2025-12-08.

Conditions:
Ullrich congenital muscular dystrophy 2 (UCMD2). Identifiers: Orphanet 75840, MedGen C4225314, MONDO:0014654, OMIM 616470.
Bethlem myopathy 2 (BTHLM2). Identifiers: Orphanet 536516, Orphanet 610, MedGen C4225313, MONDO:0034022, OMIM 616471.

Allele frequency attached by ClinVar (database versions not stated): ExAC 0.00003; gnomAD exomes 0.00003.
gnomAD v4.1: 28 of 1,557,472 alleles (0.0018%); highest among the groups gnomAD compares: Middle Eastern, 0.034%; no homozygotes.

Submissions (7):

Labcorp Genetics (formerly Invitae), Labcorp
Classification: Uncertain significance for Bethlem myopathy 2; Ullrich congenital muscular dystrophy 2. Last evaluated: 2025-12-08. Review status: criteria provided, single submitter. Criteria: Invitae Variant Classification Sherloc (09022015). Collection method: clinical testing. Allele origin: germline.
Comment: This sequence change replaces asparagine, which is neutral and polar, with lysine, which is basic and polar, at codon 2623 of the COL12A1 protein (p.Asn2623Lys). This variant is present in population databases (rs201337277, gnomAD 0.007%). This variant has not been reported in the literature in individuals affected with COL12A1-related conditions. ClinVar contains an entry for this variant (Variation ID: 423385). Invitae Evidence Modeling of protein sequence and biophysical properties (such as structural, functional, and spatial information, amino acid conservation, physicochemical variation, residue mobility, and thermodynamic stability) has been performed for this missense variant. However, the output from this modeling did not meet the statistical confidence thresholds required to predict the impact of this variant on COL12A1 protein function. In summary, the available evidence is currently insufficient to determine the role of this variant in disease. Therefore, it has been classified as a Variant of Uncertain Significance.

Women's Health and Genetics/Laboratory Corporation of America, LabCorp
Classification: Uncertain significance. Last evaluated: 2025-06-09. Review status: criteria provided, single submitter. Criteria: LabCorp Variant Classification Summary - May 2015. Collection method: clinical testing. Allele origin: germline.
Comment: Variant summary: COL12A1 c.7869C>A (p.Asn2623Lys) results in a non-conservative amino acid change in the encoded protein sequence. Algorithms developed to predict the effect of missense changes on protein structure and function are either unavailable or do not agree on the potential impact of this missense change. The variant allele was found at a frequency of 3.3e-05 in 212404 control chromosomes. The available data on variant occurrences in the general population are insufficient to allow any conclusion about variant significance. c.7869C>A has been observed in at least one individual affected with Myopathic Ehlers-Danlos syndrome (e.g. Leone_2023). These report(s) do not provide unequivocal conclusions about association of the variant with Ullrich congenital muscular dystrophy 2. To our knowledge, no experimental evidence demonstrating an impact on protein function has been reported. The following publication has been ascertained in the context of this evaluation (PMID: 37079061). ClinVar contains an entry for this variant (Variation ID: 423385). Based on the evidence outlined above, the variant was classified as uncertain significance.

GeneDx
Classification: Uncertain significance. Last evaluated: 2024-04-09. Review status: criteria provided, single submitter. Criteria: GeneDx Variant Classification Process June 2021. Collection method: clinical testing. Allele origin: germline. Affected: yes.
Comment: In silico analysis supports that this missense variant has a deleterious effect on protein structure/function; This variant is associated with the following publications: (PMID: 37079061)

Mayo Clinic Laboratories, Mayo Clinic
Classification: Uncertain significance. Last evaluated: 2023-11-29. Review status: criteria provided, single submitter. Criteria: ACMG Guidelines, 2015. Collection method: clinical testing. Allele origin: germline. Observed: 1 variant allele.

Revvity Omics, Revvity
Classification: Uncertain significance. Last evaluated: 2021-05-26. Review status: criteria provided, single submitter. Criteria: ACMG Guidelines, 2015. Collection method: clinical testing. Allele origin: germline.

Genomic Research Center, Shahid Beheshti University of Medical Sciences
Classification: Uncertain significance for Ullrich congenital muscular dystrophy 2. Last evaluated: 2020-05-03. Review status: criteria provided, single submitter. Criteria: ACMG Guidelines, 2015. Collection method: clinical testing. Allele origin: unknown. Affected: yes.

Breakthrough Genomics
Classification: Uncertain significance. Review status: criteria provided, single submitter. Criteria: ACMG Guidelines, 2015. Collection method: not provided. Allele origin: germline. Inheritance: Autosomal recessive inheritance. Affected: yes.

Literature cited by the submitters: PubMed 37079061 (cited by Women's Health and Genetics/Laboratory Corporation of America, LabCorp and Mayo Clinic Laboratories, Mayo Clinic).